The following is an entry in ClinVar:

ClinVar aggregate classification (germline): Uncertain significance (1 of 4 stars; one submission).

Submission:

Labcorp Genetics (formerly Invitae), Labcorp
Classification: Uncertain significance. Last evaluated: 2022-06-23. Review status: criteria provided, single submitter. Criteria: Invitae Variant Classification Sherloc (09022015). Collection method: clinical testing. Allele origin: germline.
Comment: This sequence change replaces glutamic acid, which is acidic and polar, with glutamine, which is neutral and polar, at codon 196 of the KIF2A protein (p.Glu196Gln). This variant is not present in population databases (gnomAD no frequency). This variant has not been reported in the literature in individuals affected with KIF2A-related conditions. Algorithms developed to predict the effect of missense changes on protein structure and function are either unavailable or do not agree on the potential impact of this missense change (SIFT: "Tolerated"; PolyPhen-2: "Probably Damaging"; Align-GVGD: "Class C0"). In summary, the available evidence is currently insufficient to determine the role of this variant in disease. Therefore, it has been classified as a Variant of Uncertain Significance.

NM_001098511.3(KIF2A):c.586G>C (p.Glu196Gln)

Gene: KIF2A (kinesin family member 2A; plus strand). Cytogenetic location: 5q12.1.
Variant type: single nucleotide variant.
Coding change: c.586G>C on transcript NM_001098511.3 (MANE Select); coding-DNA position 586, G replaced by C.
Protein change: p.Glu196Gln; replaces glutamic acid 196 with glutamine.
Molecular consequence: missense variant.
Genome position (GRCh38, 1-based): chr5:62,355,186, G>C. VCF-style: chr5-62355186-G-C. GRCh37 (hg19) VCF-style: chr5-61651013-G-C.
Other names: c.505G>C, p.Glu169Gln (NM_001243952.2); c.529G>C, p.Glu177Gln (NM_001243953.2); c.586G>C, p.Glu196Gln (NM_004520.5); short protein forms E196Q, E169Q, E177Q.
Identifiers: ClinVar variation 2009895 (VCV002009895.4), dbSNP rs2531337974, ClinGen allele CA359949389.